The following is an entry in ClinVar:

ClinVar aggregate classification (germline): Uncertain significance. Review status: criteria provided, multiple submitters, no conflicts (2 of 4 stars). 2 submissions from 2 submitters: Uncertain significance (2). Last evaluated 2022-03-01.

Conditions:
Inborn genetic diseases. Identifiers: MedGen C0950123, MeSH D030342.

Allele frequency attached by ClinVar (database versions not stated): TOPMed below 0.00001; gnomAD 0.00001; gnomAD exomes 0.00001.

Submissions (2):

Labcorp Genetics (formerly Invitae), Labcorp
Classification: Uncertain significance. Last evaluated: 2022-03-01. Review status: criteria provided, single submitter. Criteria: Invitae Variant Classification Sherloc (09022015). Collection method: clinical testing. Allele origin: germline.
Comment: In summary, the available evidence is currently insufficient to determine the role of this variant in disease. Therefore, it has been classified as a Variant of Uncertain Significance. Advanced modeling of protein sequence and biophysical properties (such as structural, functional, and spatial information, amino acid conservation, physicochemical variation, residue mobility, and thermodynamic stability) performed at Invitae indicates that this missense variant is not expected to disrupt NEFH protein function. This variant has not been reported in the literature in individuals affected with NEFH-related conditions. This variant is not present in population databases (gnomAD no frequency). This sequence change replaces glycine, which is neutral and non-polar, with aspartic acid, which is acidic and polar, at codon 12 of the NEFH protein (p.Gly12Asp).

Ambry Genetics
Classification: Uncertain significance for Inborn genetic diseases. Last evaluated: 2021-11-04. Review status: criteria provided, single submitter. Criteria: Ambry Variant Classification Scheme 2023. Collection method: clinical testing. Allele origin: germline.
Comment: The p.G12D variant (also known as c.35G>A), located in coding exon 1 of the NEFH gene, results from a G to A substitution at nucleotide position 35. The glycine at codon 12 is replaced by aspartic acid, an amino acid with similar properties. This amino acid position is highly conserved in available vertebrate species. In addition, the in silico prediction for this alteration is inconclusive. Since supporting evidence is limited at this time, the clinical significance of this alteration remains unclear.

NM_021076.4(NEFH):c.35G>A (p.Gly12Asp)

Gene: NEFH (neurofilament heavy chain; plus strand). Cytogenetic location: 22q12.2.
Variant type: single nucleotide variant.
Coding change: c.35G>A on transcript NM_021076.4 (MANE Select); coding-DNA position 35, G replaced by A.
Protein change: p.Gly12Asp; replaces glycine 12 with aspartic acid.
Molecular consequence: missense variant.
Genome position (GRCh38, 1-based): chr22:29,480,297, G>A. VCF-style: chr22-29480297-G-A. GRCh37 (hg19) VCF-style: chr22-29876286-G-A.
Other names: short protein forms G12D.
Identifiers: ClinVar variation 1733074 (VCV001733074.7), dbSNP rs2062995006, ClinGen allele CA411120976.
Genomic context (GRCh38, chr22:29,480,297, plus strand): 5'-CCCGGCCTCGCGCACCTGCTCAGGCCATGATGAGCTTCGGCGGCGCGGACGCGCTGCTGG[G>A]CGCCCCGTTCGCGCCGCTGCATGGCGGCGGCAGCCTCCACTACGCGCTAGCCCGAAAGGG-3'
Protein context (NP_066554.2, residues 2-22): MSFGGADALL[Gly12Asp]APFAPLHGGG